The following is an entry in ClinVar:

NM_020778.5(ALPK3):c.144C>T (p.Ser48=)

Gene: ALPK3 (alpha kinase 3; plus strand). Cytogenetic location: 15q25.3.
Variant type: single nucleotide variant.
Coding change: c.144C>T on transcript NM_020778.5 (MANE Select); coding-DNA position 144, C replaced by T.
Protein change: p.Ser48=; no amino-acid change (serine 48 retained).
Molecular consequence: synonymous variant.
Genome position (GRCh38, 1-based): chr15:84,823,330, C>T. VCF-style: chr15-84823330-C-T. GRCh37 (hg19) VCF-style: chr15-85366561-C-T.
Identifiers: ClinVar variation 4717403 (VCV004717403.1).

ClinVar aggregate classification (germline): Uncertain significance (1 of 4 stars; one submission).

Submission:

Labcorp Genetics (formerly Invitae), Labcorp
Classification: Uncertain significance. Last evaluated: 2025-04-19. Review status: criteria provided, single submitter. Criteria: Invitae Variant Classification Sherloc (09022015). Collection method: clinical testing. Allele origin: germline.
Comment: This sequence change affects codon 250 of the ALPK3 mRNA. It is a 'silent' change, meaning that it does not change the encoded amino acid sequence of the ALPK3 protein. It affects a nucleotide within the consensus splice site. This variant is not present in population databases (gnomAD no frequency). This variant has not been reported in the literature in individuals affected with ALPK3-related conditions. Algorithms developed to predict the effect of sequence changes on RNA splicing suggest that this variant is not likely to affect RNA splicing. In summary, the available evidence is currently insufficient to determine the role of this variant in disease. Therefore, it has been classified as a Variant of Uncertain Significance.